The following is an entry in ClinVar:

NM_001040108.2(MLH3):c.473G>A (p.Arg158Lys)

Gene: MLH3 (mutL homolog 3; minus strand). Cytogenetic location: 14q24.3.
Variant type: single nucleotide variant.
Coding change: c.473G>A on transcript NM_001040108.2 (MANE Select); coding-DNA position 473, G replaced by A.
Protein change: p.Arg158Lys; replaces arginine 158 with lysine.
Molecular consequence: missense variant.
Genome position (GRCh38, 1-based): chr14:75,049,183, C>T on the plus strand (G>A on the coding strand, the complement: MLH3 is on the minus strand). VCF-style: chr14-75049183-C-T. GRCh37 (hg19) VCF-style: chr14-75515886-C-T.
Other names: c.473G>A, p.Arg158Lys (NM_014381.3); short protein forms R158K.
Identifiers: ClinVar variation 5024570 (VCV005024570.1).

ClinVar aggregate classification (germline): Uncertain significance (1 of 4 stars; one submission).

Submission:

Ambry Genetics
Classification: Uncertain significance. Last evaluated: 2026-06-18. Review status: criteria provided, single submitter. Criteria: Ambry Variant Classification Scheme 2023. Collection method: clinical testing. Allele origin: germline.
Comment: The p.R158K variant (also known as c.473G>A), located in coding exon 1 of the MLH3 gene, results from a G to A substitution at nucleotide position 473. The arginine at codon 158 is replaced by lysine, an amino acid with highly similar properties. This amino acid position is conserved. In addition, this alteration is predicted to be deleterious by in silico analysis. Based on the available evidence, the clinical significance of this variant remains unclear.